The following is an entry in ClinVar:

ClinVar aggregate classification (germline): Uncertain significance (1 of 4 stars; one submission).

Conditions:
Ehlers-Danlos syndrome, kyphoscoliotic type 1 (EDSKSCL1). Also called: EHLERS-DANLOS SYNDROME, TYPE VIA; Ehlers-Danlos syndrome, hydroxylysine-deficient; EHLERS-DANLOS SYNDROME, OCULAR-SCOLIOTIC TYPE; PLOD1-Related Kyphoscoliotic Ehlers-Danlos Syndrome. Identifiers: Orphanet 1900, MedGen C0268342, MONDO:0016002, OMIM 225400. Disease mechanism: loss of function.

Submission:

Labcorp Genetics (formerly Invitae), Labcorp
Classification: Uncertain significance for Ehlers-Danlos syndrome, kyphoscoliotic type 1. Last evaluated: 2024-09-04. Review status: criteria provided, single submitter. Criteria: Invitae Variant Classification Sherloc (09022015). Collection method: clinical testing. Allele origin: germline.
Comment: This sequence change replaces proline, which is neutral and non-polar, with glutamine, which is neutral and polar, at codon 553 of the PLOD1 protein (p.Pro553Gln). This variant is not present in population databases (gnomAD no frequency). This variant has not been reported in the literature in individuals affected with PLOD1-related conditions. Invitae Evidence Modeling of protein sequence and biophysical properties (such as structural, functional, and spatial information, amino acid conservation, physicochemical variation, residue mobility, and thermodynamic stability) indicates that this missense variant is not expected to disrupt PLOD1 protein function with a negative predictive value of 80%. In summary, the available evidence is currently insufficient to determine the role of this variant in disease. Therefore, it has been classified as a Variant of Uncertain Significance.

NM_000302.4(PLOD1):c.1658C>A (p.Pro553Gln)

Gene: PLOD1 (procollagen-lysine,2-oxoglutarate 5-dioxygenase 1; plus strand). Cytogenetic location: 1p36.22.
Variant type: single nucleotide variant.
Coding change: c.1658C>A on transcript NM_000302.4 (MANE Select); coding-DNA position 1658, C replaced by A.
Protein change: p.Pro553Gln; replaces proline 553 with glutamine.
Molecular consequence: missense variant.
Genome position (GRCh38, 1-based): chr1:11,966,994, C>A. VCF-style: chr1-11966994-C-A. GRCh37 (hg19) VCF-style: chr1-12027051-C-A.
Other names: c.1799C>A, p.Pro600Gln (NM_001316320.2); short protein forms P553Q, P600Q.
Identifiers: ClinVar variation 3697202 (VCV003697202.2).